The following is an entry in ClinVar:

NM_000202.8(IDS):c.1269dup (p.Val424fs)

Gene: IDS (iduronate 2-sulfatase; minus strand). Cytogenetic location: Xq28.
Variant type: Duplication.
Coding change: c.1269dup on transcript NM_000202.8 (MANE Select); coding-DNA position 1269, one base duplicated (C; older notation c.1269dupC).
Protein change: p.Val424fs; shifts the reading frame from valine 424.
Molecular consequence: frameshift variant.
Genome position (GRCh38, 1-based): chrX:149,483,130, G duplicated on the plus strand (C on the coding strand, the reverse complement: IDS is on the minus strand); the first of 4 consecutive G bases (chrX:149,483,130-149,483,133); duplicating any one gives the same sequence. VCF-style (leftmost placement, unchanged base first): chrX-149483129-C-CG. GRCh37 (hg19) VCF-style: chrX-148564660-C-CG.
Other names: c.999dup, p.Val334fs (NM_001166550.4); short protein forms V334fs, V424fs.
Identifiers: ClinVar variation 3256006 (VCV003256006.4).
Genomic context (GRCh38, chrX:149,483,129, plus strand): 5'-ATCGAAAATGCTTCAGAAGGTTCTTGCCTTCTCTGCACAGCTCAACGTGAAATGAAGGAA[C>CG]GGGGCAGCGAGGTGGAACCTGCAGTCCTGCAAGTCCAGCCAGCGTGGGAAAAAGAGACAC-3'

ClinVar aggregate classification (germline): Pathogenic. Review status: criteria provided, multiple submitters, no conflicts (2 of 4 stars). 2 submissions from 2 submitters: Pathogenic (2). Last evaluated 2024-11-25.

Conditions:
Mucopolysaccharidosis, MPS-II (MPS2). Also called: Hunter Syndrome; IDURONATE 2-SULFATASE DEFICIENCY; Mucopolysaccharidosis Type II; Mucopolysaccharidosis type 2; Attenuated MPS (subtype; formerly known as mild MPS II); Severe MPS II. Identifiers: Orphanet 580, Orphanet 79388, MedGen C0026705, MONDO:0010674, OMIM 309900.

Submissions (2):

Labcorp Genetics (formerly Invitae), Labcorp
Classification: Pathogenic for Mucopolysaccharidosis, MPS-II. Last evaluated: 2024-11-25. Review status: criteria provided, single submitter. Criteria: Invitae Variant Classification Sherloc (09022015). Collection method: clinical testing. Allele origin: germline.
Comment: This sequence change creates a premature translational stop signal (p.Val424Argfs*7) in the IDS gene. While this is not anticipated to result in nonsense mediated decay, it is expected to disrupt the last 127 amino acid(s) of the IDS protein. This variant is not present in population databases (gnomAD no frequency). This variant has not been reported in the literature in individuals affected with IDS-related conditions. This variant disrupts a region of the IDS protein in which other variant(s) (p.Glu521Lys) have been determined to be pathogenic (PMID: 9266380, 11462244, 28543354). This suggests that this is a clinically significant region of the protein, and that variants that disrupt it are likely to be disease-causing. For these reasons, this variant has been classified as Pathogenic.

Laboratory of Diagnosis and Therapy of Lysosomal Disorders, University of Padova
Classification: Pathogenic for Mucopolysaccharidosis, MPS-II. Last evaluated: 2024-06-07. Review status: criteria provided, single submitter. Criteria: ACMG Guidelines, 2015. Collection method: literature only. Allele origin: germline. Affected: yes. Observed: 1 variant allele.
Comment: Null variant (PVS1_Strong), Absent from controls (or at low frequency) in gnomAD database (PM2_Moderate), Patient’s phenotype or family history highly specific for the disease (PP4_Strong)

Classification method: ACMG Guidelines [PMID:25741868] with modifications

Literature cited by the submitters: PubMed 9266380 (cited by Labcorp Genetics (formerly Invitae), Labcorp); PubMed 11462244 (cited by Labcorp Genetics (formerly Invitae), Labcorp); PubMed 28543354 (cited by Labcorp Genetics (formerly Invitae), Labcorp); PubMed 36713083 (cited by Laboratory of Diagnosis and Therapy of Lysosomal Disorders, University of Padova).